The following is an entry in ClinVar:

NM_001365276.2(TNXB):c.2072G>A (p.Gly691Asp)

Gene: TNXB (tenascin XB; minus strand). Cytogenetic location: 6p21.33.
Variant type: single nucleotide variant.
Coding change: c.2072G>A on transcript NM_001365276.2 (MANE Select); coding-DNA position 2072, G replaced by A.
Protein change: p.Gly691Asp; replaces glycine 691 with aspartic acid.
Molecular consequence: missense variant.
Genome position (GRCh38, 1-based): chr6:32,095,781, C>T on the plus strand (G>A on the coding strand, the complement: TNXB is on the minus strand). VCF-style: chr6-32095781-C-T. GRCh37 (hg19) VCF-style: chr6-32063558-C-T.
Other names: c.2072G>A, p.Gly691Asp (NM_019105.8); short protein forms G691D.
Identifiers: ClinVar variation 3327836 (VCV003327836.1).

ClinVar aggregate classification (germline): Uncertain significance (1 of 4 stars; one submission).

Conditions:
Cardiovascular phenotype. Identifiers: MedGen CN230736.

gnomAD v4.1: 42 of 1,613,548 alleles (0.0026%); highest among the groups gnomAD compares: African/African-American, 0.055%; no homozygotes.

Submission:

Ambry Genetics
Classification: Uncertain significance for Cardiovascular phenotype. Last evaluated: 2024-06-05. Review status: criteria provided, single submitter. Criteria: Ambry Variant Classification Scheme 2023. Collection method: clinical testing. Allele origin: germline.
Comment: The p.G691D variant (also known as c.2072G>A), located in coding exon 2 of the TNXB gene, results from a G to A substitution at nucleotide position 2072. The glycine at codon 691 is replaced by aspartic acid, an amino acid with similar properties. This amino acid position is not well conserved in available vertebrate species. In addition, this alteration is predicted to be tolerated by in silico analysis. Based on the available evidence, the clinical significance of this variant remains unclear.